The following is an entry in ClinVar:

ClinVar aggregate classification (germline): Likely pathogenic. Review status: criteria provided, multiple submitters, no conflicts (2 of 4 stars). 3 submissions from 3 submitters: Likely pathogenic (2). 1 of the submissions does not count toward it. Last evaluated 2025-05-05.

Conditions:
HELLS-related disorder. Also called: HELLS-related condition.
Immunodeficiency-centromeric instability-facial anomalies syndrome 4 (ICF4). Identifiers: Orphanet 2268, MedGen C4310798, MONDO:0014829, OMIM 616911.

Submissions (3):

Labcorp Genetics (formerly Invitae), Labcorp
Classification: Likely pathogenic. Last evaluated: 2025-05-05. Review status: criteria provided, single submitter. Criteria: Invitae Variant Classification Sherloc (09022015). Collection method: clinical testing. Allele origin: germline.
Comment: This variant, c.2400_2402del, results in the deletion of 1 amino acid(s) of the HELLS protein (p.Leu801del), but otherwise preserves the integrity of the reading frame. This variant is present in population databases (rs767250687, gnomAD 0.009%). This variant has been observed in individual(s) with immunodeficiency‐centromeric instability‐facial anomalies syndromes (PMID: 26216346, 30511102, 35904121). It has also been observed to segregate with disease in related individuals. ClinVar contains an entry for this variant (Variation ID: 225528). Experimental studies and prediction algorithms are not available or were not evaluated, and the functional significance of this variant is currently unknown. In summary, the currently available evidence indicates that the variant is pathogenic, but additional data are needed to prove that conclusively. Therefore, this variant has been classified as Likely Pathogenic.

Blueprint Genetics
Classification: Likely pathogenic for HELLS-related disorders. Last evaluated: 2023-05-25. Review status: criteria provided, single submitter. Criteria: ACMG Guidelines, 2015. Collection method: clinical testing. Allele origin: germline. Affected: yes. Observed: 4 variant alleles.

OMIM
Classification: Pathogenic for IMMUNODEFICIENCY-CENTROMERIC INSTABILITY-FACIAL ANOMALIES SYNDROME 4. Last evaluated: 2017-07-19. Review status: no assertion criteria provided. Collection method: literature only. Allele origin: germline. Not counted in ClinVar's aggregate classification.

Literature cited by the submitters: PubMed 26216346 (cited by Labcorp Genetics (formerly Invitae), Labcorp and OMIM); PubMed 30511102 (cited by Labcorp Genetics (formerly Invitae), Labcorp); PubMed 35904121 (cited by Labcorp Genetics (formerly Invitae), Labcorp).

NM_018063.5(HELLS):c.2394GTT[2] (p.Leu801del)

Gene: HELLS (helicase, lymphoid specific; plus strand). Cytogenetic location: 10q23.33.
Variant type: Microsatellite.
Coding change: c.2394GTT[2] on transcript NM_018063.5 (MANE Select); two copies in a row of the 3-base unit GTT starting at c.2394; the reference has three copies in a row; one copy, 3 bases deleted.
Protein change: p.Leu801del; deletes leucine 801.
Molecular consequence: inframe deletion.
Genome position (GRCh38, 1-based): chr10:94,597,089-94,597,091, GTT deleted; deleting any 3 consecutive bases within chr10:94,597,083-94,597,091 gives the same sequence; the position shown is the placement nearest the transcript's 3' end. VCF-style (leftmost placement, unchanged base first): chr10-94597082-AGTT-A. GRCh37 (hg19) VCF-style: chr10-96356839-AGTT-A.
Other names: c.2532GTT[2], p.Leu847del (NM_001289067.2); c.2346GTT[2], p.Leu785del (NM_001289068.2); c.2298GTT[2], p.Leu769del (NM_001289069.2); c.2100GTT[2], p.Leu703del (NM_001289070.2); c.2022GTT[2], p.Leu677del (NM_001289071.2); c.2004GTT[2], p.Leu671del (NM_001289072.2); c.1980GTT[2], p.Leu663del (NM_001289073.2); c.1311GTT[2], p.Leu440del (NM_001289074.2); and 1 more; short protein forms L801del, L847del, L395del, L440del, L677del, L769del, L785del, L663del.
Identifiers: ClinVar variation 225528 (VCV000225528.7), dbSNP rs879253737, ClinGen allele CA5615708.